The following is an entry in ClinVar:

NM_198129.4(LAMA3):c.8211C>A (p.Cys2737Ter)

Gene: LAMA3 (laminin subunit alpha 3; plus strand). Cytogenetic location: 18q11.2.
Variant type: single nucleotide variant.
Coding change: c.8211C>A on transcript NM_198129.4 (MANE Select); coding-DNA position 8211, C replaced by A.
Protein change: p.Cys2737Ter; replaces cysteine 2737 with a stop codon.
Molecular consequence: nonsense.
Genome position (GRCh38, 1-based): chr18:23,928,156, C>A. VCF-style: chr18-23928156-C-A. GRCh37 (hg19) VCF-style: chr18-21508120-C-A.
Other names: c.3384C>A, p.Cys1128Ter (NM_000227.6); c.8043C>A, p.Cys2681Ter (NM_001127717.4); c.3216C>A, p.Cys1072Ter (NM_001127718.4); short protein forms C2737*, C1072*, C1128*, C2681*.
Identifiers: ClinVar variation 2899213 (VCV002899213.4), dbSNP rs2082061881, ClinGen allele CA402063028.
Genomic context (GRCh38, chr18:23,928,156, plus strand): 5'-CTTCCTTTTATCTGTGTTCGTAATCAGATTTAACATTTCTACGCCTGCTTTCCGAGGCTG[C>A]ATGAAAAATTTGAAGAAAACCAGTGGTGTCGTTAGATTGAATGATACTGTGGGAGTAACC-3'

ClinVar aggregate classification (germline): Pathogenic/Likely pathogenic. Review status: criteria provided, multiple submitters, no conflicts (2 of 4 stars). 2 submissions from 2 submitters: Pathogenic (1); Likely pathogenic (1). Last evaluated 2024-02-02.

Conditions:
Epidermolysis bullosa, junctional 2B, severe. Also called: EPIDERMOLYSIS BULLOSA, JUNCTIONAL 2B, GENERALIZED SEVERE; EPIDERMOLYSIS BULLOSA, JUNCTIONAL 2B, HERLITZ TYPE. Identifiers: MedGen C5676937, MONDO:0030747, OMIM 619784.
Epidermolysis bullosa, junctional 2A, intermediate. Also called: EPIDERMOLYSIS BULLOSA, JUNCTIONAL 2A, GENERALIZED INTERMEDIATE; EPIDERMOLYSIS BULLOSA, JUNCTIONAL 2A, NON-HERLITZ TYPE. Identifiers: MedGen C5676936, MONDO:0030746, OMIM 619783.
Laryngo-onycho-cutaneous syndrome (JEB2C). Also called: EPIDERMOLYSIS BULLOSA, JUNCTIONAL 2C, LARYNGOONYCHOCUTANEOUS; LOGIC SYNDROME; SHABBIR SYNDROME. Identifiers: Orphanet 2407, MedGen C1328355, MONDO:0009513, OMIM 245660.

Allele frequency attached by ClinVar (database versions not stated): TOPMed below 0.00001; gnomAD 0.00001.

Submissions (2):

Labcorp Genetics (formerly Invitae), Labcorp
Classification: Pathogenic. Last evaluated: 2024-02-02. Review status: criteria provided, single submitter. Criteria: Invitae Variant Classification Sherloc (09022015). Collection method: clinical testing. Allele origin: germline.
Comment: This sequence change creates a premature translational stop signal (p.Cys1128*) in the LAMA3 gene. It is expected to result in an absent or disrupted protein product. Loss-of-function variants in LAMA3 are known to be pathogenic (PMID: 10366601, 11810295, 12915477, 16473856, 17362460, 22434185, 23869449, 27827380, 28087116). This variant is not present in population databases (gnomAD no frequency). This variant has not been reported in the literature in individuals affected with LAMA3-related conditions. For these reasons, this variant has been classified as Pathogenic.

Fulgent Genetics
Classification: Likely pathogenic for Laryngo-onycho-cutaneous syndrome; Epidermolysis bullosa, junctional 2A, intermediate; Epidermolysis bullosa, junctional 2B, severe. Last evaluated: 2024-01-10. Review status: criteria provided, single submitter. Criteria: ACMG Guidelines, 2015. Collection method: clinical testing. Allele origin: germline.

Literature cited by the submitters: PubMed 10366601 (cited by Labcorp Genetics (formerly Invitae), Labcorp); PubMed 11810295 (cited by Labcorp Genetics (formerly Invitae), Labcorp); PubMed 12915477 (cited by Labcorp Genetics (formerly Invitae), Labcorp); PubMed 16473856 (cited by Labcorp Genetics (formerly Invitae), Labcorp); PubMed 17362460 (cited by Labcorp Genetics (formerly Invitae), Labcorp); PubMed 22434185 (cited by Labcorp Genetics (formerly Invitae), Labcorp); PubMed 23869449 (cited by Labcorp Genetics (formerly Invitae), Labcorp); PubMed 27827380 (cited by Labcorp Genetics (formerly Invitae), Labcorp); PubMed 28087116 (cited by Labcorp Genetics (formerly Invitae), Labcorp).